The following is an entry in ClinVar:

ClinVar aggregate classification (germline): Conflicting classifications of pathogenicity. Review status: criteria provided, conflicting classifications (1 of 4 stars). 3 submissions from 3 submitters: Uncertain significance (2); Likely benign (1). Last evaluated 2026-06-15.

Conditions:
Polyps, multiple and recurrent inflammatory fibroid, gastrointestinal. Identifiers: MedGen C5193005, MONDO:0008285, OMIM 175510.
Hereditary cancer-predisposing syndrome. Also called: Hereditary Cancer Syndrome; Tumor predisposition; Neoplastic Syndromes, Hereditary; Hereditary neoplastic syndrome. Identifiers: Orphanet 140162, MedGen C0027672, MeSH D009386, MONDO:0015356.
Gastrointestinal stromal tumor. Also called: Gastrointestinal stromal tumor, somatic; Gastrointestinal stroma tumor. Identifiers: Orphanet 44890, MedGen C0238198, MeSH D046152, MONDO:0011719, OMIM 606764, HP:0100723.

Allele frequency attached by ClinVar (database versions not stated): TOPMed 0.00001; gnomAD exomes 0.00002 and 0.00001.
gnomAD v4.1: 32 of 1,612,786 alleles (0.002%); highest among the groups gnomAD compares: Non-Finnish European, 0.0027%; no homozygotes.

Submissions (3):

Myriad Genetics, Inc.
Classification: Likely benign for Polyps, multiple and recurrent inflammatory fibroid, gastrointestinal. Last evaluated: 2026-06-15. Review status: criteria provided, single submitter. Criteria: Myriad Autosomal Dominant, Autosomal Recessive and X-Linked Classification Criteria (2023). Collection method: clinical testing. Allele origin: unknown.
Comment: This variant is considered likely benign. This variant has been observed at a population frequency that is significantly greater than expected given the associated disease prevalence and penetrance.

Labcorp Genetics (formerly Invitae), Labcorp
Classification: Uncertain significance for Gastrointestinal stromal tumor. Last evaluated: 2026-01-28. Review status: criteria provided, single submitter. Criteria: Invitae Variant Classification Sherloc (09022015). Collection method: clinical testing. Allele origin: germline.
Comment: This sequence change replaces arginine, which is basic and polar, with glutamine, which is neutral and polar, at codon 597 of the PDGFRA protein (p.Arg597Gln). This variant is present in population databases (no rsID available, gnomAD 0.0009%). This variant has not been reported in the literature in individuals affected with PDGFRA-related conditions. ClinVar contains an entry for this variant (Variation ID: 577328). Invitae Evidence Modeling of protein sequence and biophysical properties (such as structural, functional, and spatial information, amino acid conservation, physicochemical variation, residue mobility, and thermodynamic stability) indicates that this missense variant is not expected to disrupt PDGFRA protein function with a negative predictive value of 80%. In summary, the available evidence is currently insufficient to determine the role of this variant in disease. Therefore, it has been classified as a Variant of Uncertain Significance.

Ambry Genetics
Classification: Uncertain significance for Hereditary cancer-predisposing syndrome. Last evaluated: 2025-11-24. Review status: criteria provided, single submitter. Criteria: Ambry Variant Classification Scheme 2023. Collection method: clinical testing. Allele origin: germline.
Comment: The p.R597Q variant (also known as c.1790G>A), located in coding exon 12 of the PDGFRA gene, results from a G to A substitution at nucleotide position 1790. The arginine at codon 597 is replaced by glutamine, an amino acid with highly similar properties. This amino acid position is highly conserved in available vertebrate species. In addition, the in silico prediction for this alteration is inconclusive. Since supporting evidence is limited at this time, the clinical significance of this alteration remains unclear.

NM_006206.6(PDGFRA):c.1790G>A (p.Arg597Gln)

Gene: PDGFRA (platelet derived growth factor receptor alpha; plus strand). Cytogenetic location: 4q12.
Variant type: single nucleotide variant.
Coding change: c.1790G>A on transcript NM_006206.6 (MANE Select); coding-DNA position 1790, G replaced by A.
Protein change: p.Arg597Gln; replaces arginine 597 with glutamine.
Molecular consequence: missense variant.
Genome position (GRCh38, 1-based): chr4:54,277,391, G>A. VCF-style: chr4-54277391-G-A. GRCh37 (hg19) VCF-style: chr4-55143558-G-A.
Other names: c.1790G>A, p.Arg597Gln (NM_001347827.2, NM_001347829.2); c.1865G>A, p.Arg622Gln (NM_001347828.2); c.1829G>A, p.Arg610Gln (NM_001347830.2); short protein forms R597Q, R610Q, R622Q.
Identifiers: ClinVar variation 577328 (VCV000577328.16), dbSNP rs999173790, ClinGen allele CA96861219.